The following is an entry in ClinVar:

ClinVar aggregate classification (germline): Uncertain significance (1 of 4 stars; one submission).

Allele frequency attached by ClinVar (database versions not stated): ExAC 0.00001; ESP Exome Variant Server 0.00008.

Submission:

GeneDx
Classification: Uncertain significance. Last evaluated: 2024-07-16. Review status: criteria provided, single submitter. Criteria: GeneDx Variant Classification Process June 2021. Collection method: clinical testing. Allele origin: germline. Affected: yes.
Comment: Not observed at significant frequency in large population cohorts (gnomAD); In silico analysis supports that this missense variant has a deleterious effect on protein structure/function; Has not been previously published as pathogenic or benign to our knowledge

NM_000391.4(TPP1):c.73C>A (p.Pro25Thr)

Gene: TPP1 (tripeptidyl peptidase 1; minus strand). Cytogenetic location: 11p15.4.
Variant type: single nucleotide variant.
Coding change: c.73C>A on transcript NM_000391.4 (MANE Select); coding-DNA position 73, C replaced by A.
Protein change: p.Pro25Thr; replaces proline 25 with threonine.
Molecular consequence: missense variant.
Genome position (GRCh38, 1-based): chr11:6,619,212, G>T on the plus strand (C>A on the coding strand, the complement: TPP1 is on the minus strand). VCF-style: chr11-6619212-G-T. GRCh37 (hg19) VCF-style: chr11-6640443-G-T.
Other names: short protein forms P25T.
Identifiers: ClinVar variation 1708601 (VCV001708601.3), dbSNP rs373323264, ClinGen allele CA5859073.